The following is an entry in ClinVar:

Conditions:
Breast-ovarian cancer, familial, susceptibility to, 1 (BROVCA1). Also called: BRCA1 Hereditary Breast and Ovarian Cancer; OVARIAN CANCER, SUSCEPTIBILITY TO. Identifiers: Orphanet 145, MedGen C2676676, MONDO:0011450, OMIM 604370. Disease mechanism: loss of function.

Allele frequency attached by ClinVar (database versions not stated): gnomAD exomes below 0.00001.
gnomAD v4.1: 1 of 1,614,140 alleles (0.000062%); highest among the groups gnomAD compares: Non-Finnish European, 0.000085%; no homozygotes.

Submission:

Brotman Baty Institute, University of Washington
No classification provided (evidence only). Condition: Breast-ovarian cancer, familial 1. Review status: no classification provided. Collection method: in vitro. Allele origin: not applicable. Functional consequence: functionally_normal.
ClinVar note: "not provided" was previously submitted as the classification for the variant. However, the classification appeared to be based only on an observation of functional data so it was converted to no classification on 2025-07-30.

NM_007294.4(BRCA1):c.5474G>C (p.Gly1825Ala)

Gene: BRCA1 (BRCA1 DNA repair associated; minus strand). Cytogenetic location: 17q21.31.
Variant type: single nucleotide variant.
Coding change: c.5474G>C on transcript NM_007294.4 (MANE Select); coding-DNA position 5474, G replaced by C.
Protein change: p.Gly1825Ala; replaces glycine 1825 with alanine.
Molecular consequence: missense variant. On other transcripts: non-coding transcript variant (1).
Genome position (GRCh38, 1-based): chr17:43,045,796, C>G on the plus strand (G>C on the coding strand, the complement: BRCA1 is on the minus strand). VCF-style: chr17-43045796-C-G. GRCh37 (hg19) VCF-style: chr17-41197813-C-G.
Other names: c.5471G>C, p.Gly1824Ala (NM_001407625.1, NM_001407626.1, NM_001407616.1 and 14 more transcripts); c.5468G>C, p.Gly1823Ala (NM_001407627.1, NM_001407628.1, NM_001407629.1 and 13 more transcripts); c.5465G>C, p.Gly1822Ala (NM_001407645.1, NM_001407644.1); c.5462G>C, p.Gly1821Ala (NM_001407646.1); c.5459G>C, p.Gly1820Ala (NM_001407647.1); c.5417G>C, p.Gly1806Ala (NM_001407648.1); c.5414G>C, p.Gly1805Ala (NM_001407649.1); c.5396G>C, p.Gly1799Ala (NM_001407652.1, NM_001407653.1, NM_001407654.1 and 1 more transcripts); and 83 more; short protein forms G1825A, W696C, G1778A, G1846A, G721A, G1735A, G1736A, G1737A.
Identifiers: ClinVar variation 868570 (VCV000868570.3), dbSNP rs2050888423, ClinGen allele CA10590382.